The following is an entry in ClinVar:

NM_016816.4(OAS1):c.623T>G (p.Leu208Arg)

Gene: OAS1 (2'-5'-oligoadenylate synthetase 1; plus strand). Cytogenetic location: 12q24.13.
Variant type: single nucleotide variant.
Coding change: c.623T>G on transcript NM_016816.4 (MANE Select); coding-DNA position 623, T replaced by G.
Protein change: p.Leu208Arg; replaces leucine 208 with arginine.
Molecular consequence: missense variant. On other transcripts: synonymous variant (5).
Genome position (GRCh38, 1-based): chr12:112,911,204, T>G. VCF-style: chr12-112911204-T-G. GRCh37 (hg19) VCF-style: chr12-113349009-T-G.
Other names: c.623T>G, p.Leu208Arg (NM_001032409.3, NM_001320151.2, NM_001406022.1 and 2 more transcripts); c.576T>G, p.Pro192= (NM_001406020.1, NM_001406021.1, NM_001406023.1 and 2 more transcripts); c.623T>G (NM_001032409.2); short protein forms L208R.
Identifiers: ClinVar variation 2192361 (VCV002192361.5), dbSNP rs1172300029, ClinGen allele CA386803521.
Genomic context (GRCh38, chr12:112,911,204, plus strand): 5'-CCTGCTTCACAGAACTACAGAGAGACTTCCTGAAGCAGCGCCCCACCAAGCTCAAGAGCC[T>G]CATCCGCCTAGTCAAGCACTGGTACCAAAATGTATGGCCCTCCCACCAGGCCTGGTGGGT-3'
Protein context (NP_058132.2, residues 198-218): LKQRPTKLKS[Leu208Arg]IRLVKHWYQN

ClinVar aggregate classification (germline): Conflicting classifications of pathogenicity. Review status: criteria provided, conflicting classifications (1 of 4 stars). 2 submissions from 2 submitters: Uncertain significance (1); Likely benign (1). Last evaluated 2026-01-21.

Conditions:
OAS1-related disorder. Also called: OAS1-related condition.

Allele frequency attached by ClinVar (database versions not stated): TOPMed 0.00001; gnomAD exomes 0.00002.

Submissions (2):

Labcorp Genetics (formerly Invitae), Labcorp
Classification: Likely benign. Last evaluated: 2026-01-21. Review status: criteria provided, single submitter. Criteria: Invitae Variant Classification Sherloc (09022015). Collection method: clinical testing. Allele origin: germline.

PreventionGenetics, part of Exact Sciences
Classification: Uncertain significance for OAS1-related condition. Last evaluated: 2025-04-04. Review status: criteria provided, single submitter. Criteria: ACMG Guidelines, 2015. Collection method: clinical testing. Allele origin: germline.
Comment: The OAS1 c.623T>G variant is predicted to result in the amino acid substitution p.Leu208Arg. To our knowledge, this variant has not been reported in the literature. This variant is reported in 0.0018% of alleles in individuals of European (Non-Finnish) descent in gnomAD. At this time, the clinical significance of this variant is uncertain due to the absence of conclusive functional and genetic evidence.